The following is an entry in ClinVar:

NM_000108.5(DLD):c.1357G>A (p.Ala453Thr)

Gene: DLD (dihydrolipoamide dehydrogenase; plus strand). Cytogenetic location: 7q31.1.
Variant type: single nucleotide variant.
Coding change: c.1357G>A on transcript NM_000108.5 (MANE Select); coding-DNA position 1357, G replaced by A.
Protein change: p.Ala453Thr; replaces alanine 453 with threonine.
Molecular consequence: missense variant.
Genome position (GRCh38, 1-based): chr7:107,918,044, G>A. VCF-style: chr7-107918044-G-A. GRCh37 (hg19) VCF-style: chr7-107558489-G-A.
Other names: c.1060G>A, p.Ala354Thr (NM_001289750.1); c.1288G>A, p.Ala430Thr (NM_001289751.1); c.1213G>A, p.Ala405Thr (NM_001289752.1); short protein forms A354T, A405T, A430T, A453T.
Identifiers: ClinVar variation 1713827 (VCV001713827.3), dbSNP rs2535604064, ClinGen allele CA368859186.

ClinVar aggregate classification (germline): Uncertain significance (1 of 4 stars; one submission).

Conditions:
Pyruvate dehydrogenase E3 deficiency (DLDD). Also called: Lipoamide dehydrogenase deficiency, lactic acidosis due to; MAPLE SYRUP URINE DISEASE, TYPE III; Dihydrolipoamide Dehydrogenase (E3) Deficiency; Lipoamide dehydrogenase deficiency; Dihydrolipoamide Dehydrogenase E3 Deficiency; DLD DEFICIENCY. Identifiers: Orphanet 2394, Orphanet 765, MedGen C5574660, MONDO:0009529, OMIM 246900.

Submission:

Labcorp Genetics (formerly Invitae), Labcorp
Classification: Uncertain significance for Pyruvate dehydrogenase E3 deficiency. Last evaluated: 2022-07-26. Review status: criteria provided, single submitter. Criteria: Invitae Variant Classification Sherloc (09022015). Collection method: clinical testing. Allele origin: germline.
Comment: This sequence change replaces alanine, which is neutral and non-polar, with threonine, which is neutral and polar, at codon 453 of the DLD protein (p.Ala453Thr). This variant is not present in population databases (gnomAD no frequency). This variant has not been reported in the literature in individuals affected with DLD-related conditions. Algorithms developed to predict the effect of missense changes on protein structure and function (SIFT, PolyPhen-2, Align-GVGD) all suggest that this variant is likely to be tolerated. In summary, the available evidence is currently insufficient to determine the role of this variant in disease. Therefore, it has been classified as a Variant of Uncertain Significance.